The following is an entry in ClinVar:

NM_001165963.4(SCN1A):c.2266A>G (p.Lys756Glu)

Gene: SCN1A (sodium voltage-gated channel alpha subunit 1; minus strand). Cytogenetic location: 2q24.3.
Variant type: single nucleotide variant.
Coding change: c.2266A>G on transcript NM_001165963.4 (MANE Select); coding-DNA position 2266, A replaced by G.
Protein change: p.Lys756Glu; replaces lysine 756 with glutamic acid.
Molecular consequence: missense variant. On other transcripts: 5 prime UTR variant (1), non-coding transcript variant (1).
Genome position (GRCh38, 1-based): chr2:166,041,380, T>C on the plus strand (A>G on the coding strand, the complement: SCN1A is on the minus strand). VCF-style: chr2-166041380-T-C. GRCh37 (hg19) VCF-style: chr2-166897890-T-C.
Other names: c.2182A>G, p.Lys728Glu (NM_001165964.3, NM_001353957.2, NM_001353958.2); c.2266A>G, p.Lys756Glu (NM_001202435.3, NM_001353948.2); c.2233A>G, p.Lys745Glu (NM_001353949.2, NM_001353950.2, NM_001353951.2 and 2 more transcripts); c.2230A>G, p.Lys744Glu (NM_001353954.2, NM_001353955.2); c.2179A>G, p.Lys727Glu (NM_001353960.2); c.-193A>G (NM_001353961.2); c.2266A>G (NM_001165963.1); short protein forms K745E, K727E, K728E, K744E, K756E.
Identifiers: ClinVar variation 1433953 (VCV001433953.9), dbSNP rs1426666349, ClinGen allele CA349064740.

ClinVar aggregate classification (germline): Uncertain significance. Review status: criteria provided, multiple submitters, no conflicts (2 of 4 stars). 2 submissions from 2 submitters: Uncertain significance (2). Last evaluated 2022-09-06.

Conditions:
Early-infantile DEE. Also called: Early infantile epileptic encephalopathy; Ohtahara syndrome; Early infantile epileptic encephalopathy with suppression bursts. Identifiers: Orphanet 1934, MedGen C0393706, MONDO:0800491.

Allele frequency attached by ClinVar (database versions not stated): gnomAD exomes below 0.00001; TOPMed below 0.00001.
gnomAD v4.1: 1 of 1,613,918 alleles (0.000062%); highest among the groups gnomAD compares: African/African-American, 0.0013%; no homozygotes.

Submissions (2):

GeneDx
Classification: Uncertain significance. Last evaluated: 2022-09-06. Review status: criteria provided, single submitter. Criteria: GeneDx Variant Classification Process June 2021. Collection method: clinical testing. Allele origin: germline. Affected: yes.
Comment: Missense variants in this gene are often considered pathogenic (HGMD); In silico analysis supports that this missense variant has a deleterious effect on protein structure/function; In silico analysis suggests this variant may impact gene splicing. In the absence of RNA/functional studies, the actual effect of this sequence change is unknown.; This substitution is predicted to be within the cytoplasmic loop between the first and second homologous domains; Has not been previously published as pathogenic or benign to our knowledge

Labcorp Genetics (formerly Invitae), Labcorp
Classification: Uncertain significance for Early-infantile DEE. Last evaluated: 2022-02-04. Review status: criteria provided, single submitter. Criteria: Invitae Variant Classification Sherloc (09022015). Collection method: clinical testing. Allele origin: germline.
Comment: In summary, the available evidence is currently insufficient to determine the role of this variant in disease. Therefore, it has been classified as a Variant of Uncertain Significance. Algorithms developed to predict the effect of sequence changes on RNA splicing suggest that this variant may create or strengthen a splice site. Algorithms developed to predict the effect of missense changes on protein structure and function are either unavailable or do not agree on the potential impact of this missense change (SIFT: "Deleterious"; PolyPhen-2: "Benign"; Align-GVGD: "Class C15"). This variant has not been reported in the literature in individuals affected with SCN1A-related conditions. This variant is present in population databases (no rsID available, gnomAD 0.007%). This sequence change replaces lysine, which is basic and polar, with glutamic acid, which is acidic and polar, at codon 756 of the SCN1A protein (p.Lys756Glu).